The following is an entry in ClinVar:

NM_001134363.3(RBM20):c.3190G>T (p.Asp1064Tyr)

Gene: RBM20 (RNA binding motif protein 20; plus strand). Cytogenetic location: 10q25.2.
Variant type: single nucleotide variant.
Coding change: c.3190G>T on transcript NM_001134363.3 (MANE Select); coding-DNA position 3190, G replaced by T.
Protein change: p.Asp1064Tyr; replaces aspartic acid 1064 with tyrosine.
Molecular consequence: missense variant.
Genome position (GRCh38, 1-based): chr10:110,821,809, G>T. VCF-style: chr10-110821809-G-T. GRCh37 (hg19) VCF-style: chr10-112581567-G-T.
Other names: short protein forms D1064Y.
Identifiers: ClinVar variation 1728668 (VCV001728668.2), dbSNP rs2493495289, ClinGen allele CA378381689.

ClinVar aggregate classification (germline): Uncertain significance (1 of 4 stars; one submission).

Conditions:
Cardiovascular phenotype. Identifiers: MedGen CN230736.

Submission:

Ambry Genetics
Classification: Uncertain significance for Cardiovascular phenotype. Last evaluated: 2020-06-17. Review status: criteria provided, single submitter. Criteria: Ambry Variant Classification Scheme 2023. Collection method: clinical testing. Allele origin: germline.
Comment: The p.D1064Y variant (also known as c.3190G>T), located in coding exon 11 of the RBM20 gene, results from a G to T substitution at nucleotide position 3190. The aspartic acid at codon 1064 is replaced by tyrosine, an amino acid with highly dissimilar properties. This amino acid position is well conserved in available vertebrate species. In addition, the in silico prediction for this alteration is inconclusive. Since supporting evidence is limited at this time, the clinical significance of this alteration remains unclear.